The following is an entry in ClinVar:

ClinVar aggregate classification (germline): Uncertain significance (1 of 4 stars; one submission).

Conditions:
Cardiomyopathy (CMYO). Also called: Cardiomyopathies. Identifiers: Orphanet 167848, MedGen C0878544, MONDO:0004994, HP:0001638. Inheritance: Various modes of inheritance.

gnomAD v4.1: 3 of 1,579,786 alleles (0.00019%); highest among the groups gnomAD compares: Non-Finnish European, 0.00026%; no homozygotes.

Submission:

Color Diagnostics, LLC DBA Color Health
Classification: Uncertain significance for Cardiomyopathy. Last evaluated: 2025-07-14. Review status: criteria provided, single submitter. Criteria: ACMG Guidelines, 2015. Collection method: clinical testing. Allele origin: germline.
Comment: This missense variant replaces arginine with tryptophan at codon 1176 of the MYH7 protein. Computational prediction suggests that this variant may have deleterious impact on protein structure and function. To our knowledge, functional studies have not been reported for this variant. This variant has not been reported in individuals affected with MYH7-related disorders in the literature. This variant has not been identified in the general population by the Genome Aggregation Database (gnomAD). The available evidence is insufficient to determine the role of this variant in disease conclusively. Therefore, this variant is classified as a Variant of Uncertain Significance.

NM_000257.4(MYH7):c.3526C>T (p.Arg1176Trp)

Gene: MYH7 (myosin heavy chain 7; minus strand). Cytogenetic location: 14q11.2.
Variant type: single nucleotide variant.
Coding change: c.3526C>T on transcript NM_000257.4 (MANE Select); coding-DNA position 3526, C replaced by T.
Protein change: p.Arg1176Trp; replaces arginine 1176 with tryptophan.
Molecular consequence: missense variant.
Genome position (GRCh38, 1-based): chr14:23,420,045, G>A on the plus strand (C>T on the coding strand, the complement: MYH7 is on the minus strand). VCF-style: chr14-23420045-G-A. GRCh37 (hg19) VCF-style: chr14-23889254-G-A.
Other names: c.3526C>T, p.Arg1176Trp (NM_001407004.1); short protein forms R1176W.
Identifiers: ClinVar variation 4758531 (VCV004758531.1).